The following is an entry in ClinVar:

NM_003235.5(TG):c.2561G>A (p.Arg854Gln)

Gene: TG (thyroglobulin; plus strand). Cytogenetic location: 8q24.22.
Variant type: single nucleotide variant.
Coding change: c.2561G>A on transcript NM_003235.5 (MANE Select); coding-DNA position 2561, G replaced by A.
Protein change: p.Arg854Gln; replaces arginine 854 with glutamine.
Molecular consequence: missense variant.
Genome position (GRCh38, 1-based): chr8:132,888,368, G>A. VCF-style: chr8-132888368-G-A. GRCh37 (hg19) VCF-style: chr8-133900613-G-A.
Other names: short protein forms R854Q.
Identifiers: ClinVar variation 782279 (VCV000782279.17), dbSNP rs115361039, ClinGen allele CA4883431.

ClinVar aggregate classification (germline): Conflicting classifications of pathogenicity. Review status: criteria provided, conflicting classifications (1 of 4 stars). 3 submissions from 3 submitters: Uncertain significance (1); Benign (1); Likely benign (1). Last evaluated 2026-01-26.

Conditions:
Iodotyrosyl coupling defect (TDH3). Also called: HYPOTHYROIDISM, CONGENITAL, DUE TO DYSHORMONOGENESIS, 3; THYROID HORMONOGENESIS, GENETIC DEFECT IN, 3. Identifiers: Orphanet 95716, MedGen C0342194, MONDO:0010135, OMIM 274700.

Allele frequency attached by ClinVar (database versions not stated): gnomAD exomes 0.00042 and 0.00107; ExAC 0.00129; gnomAD 0.00380 and 0.00408; 1000 Genomes Project 0.00419; TOPMed 0.00450; ESP Exome Variant Server 0.00477; 1000 Genomes Project 30x 0.00515.
gnomAD v4.1: 1,216 of 1,614,148 alleles (0.075%); highest among the groups gnomAD compares: African/African-American, 1.3%; 12 homozygotes.

Submissions (3):

Labcorp Genetics (formerly Invitae), Labcorp
Classification: Benign. Last evaluated: 2026-01-26. Review status: criteria provided, single submitter. Criteria: Invitae Variant Classification Sherloc (09022015). Collection method: clinical testing. Allele origin: germline.

CeGaT Center for Human Genetics Tuebingen
Classification: Likely benign. Last evaluated: 2025-10-01. Review status: criteria provided, single submitter. Criteria: CeGaT Center For Human Genetics Tuebingen Variant Classification Criteria Version 2. Collection method: clinical testing. Allele origin: germline. Affected: yes. Observed: 1 variant allele.
Comment: TG: BP4, BS1

Illumina Laboratory Services, Illumina
Classification: Uncertain significance for Iodotyrosyl coupling defect. Last evaluated: 2017-04-27. Review status: criteria provided, single submitter. Criteria: ICSL Variant Classification Criteria 13 December 2019. Collection method: clinical testing. Allele origin: germline.
Comment: This variant was observed as part of a predisposition screen in an ostensibly healthy population. A literature search was performed for the gene, cDNA change, and amino acid change (where applicable). Publications were found based on this search. However, the evidence from the literature, in combination with allele frequency data from public databases where available, was not sufficient to rule this variant in or out of causing disease. Therefore, this variant is classified as a variant of unknown significance.

Literature cited by the submitters: PubMed 15611820 (cited by Illumina Laboratory Services, Illumina).